The following is an entry in ClinVar:

ClinVar aggregate classification (germline): Benign/Likely benign. Review status: criteria provided, multiple submitters, no conflicts (2 of 4 stars). 3 submissions from 3 submitters: Benign (1); Likely benign (2). Last evaluated 2026-04-04.

Conditions:
Chuvash polycythemia. Also called: POLYCYTHEMIA, VHL-DEPENDENT. Identifiers: Orphanet 238557, MedGen C1837915, MONDO:0009892, OMIM 263400.
Von Hippel-Lindau syndrome (VHLS). Also called: VHL syndrome; Von Hippel-Lindau; von Hippel–Lindau syndrome. Identifiers: Orphanet 892, MedGen C0019562, MONDO:0008667, OMIM 193300. Disease mechanism: loss of function.
Hereditary cancer-predisposing syndrome. Also called: Neoplastic Syndromes, Hereditary; Hereditary neoplastic syndrome; Hereditary Cancer Syndrome; Tumor predisposition. Identifiers: Orphanet 140162, MedGen C0027672, MeSH D009386, MONDO:0015356.

gnomAD v4.1: 1 of 1,599,890 alleles (0.000063%); no homozygotes.

Submissions (3):

Ambry Genetics
Classification: Likely benign for Hereditary cancer-predisposing syndrome. Last evaluated: 2026-04-04. Review status: criteria provided, single submitter. Criteria: Ambry Variant Classification Scheme 2023. Collection method: clinical testing. Allele origin: germline.

Myriad Genetics, Inc.
Classification: Benign for Von Hippel-Lindau syndrome. Last evaluated: 2025-06-10. Review status: criteria provided, single submitter. Criteria: Myriad Autosomal Dominant, Autosomal Recessive and X-Linked Classification Criteria (2023). Collection method: clinical testing. Allele origin: unknown.
Comment: This variant is considered benign. This variant is a silent/synonymous amino acid change and it is not expected to impact splicing.

Labcorp Genetics (formerly Invitae), Labcorp
Classification: Likely benign for Von Hippel-Lindau syndrome; Chuvash polycythemia. Last evaluated: 2024-02-06. Review status: criteria provided, single submitter. Criteria: Invitae Variant Classification Sherloc (09022015). Collection method: clinical testing. Allele origin: germline.

NM_000551.4(VHL):c.294C>T (p.Tyr98=)

Gene: VHL (von Hippel-Lindau tumor suppressor; plus strand). Cytogenetic location: 3p25.3.
Variant type: single nucleotide variant.
Coding change: c.294C>T on transcript NM_000551.4 (MANE Select); coding-DNA position 294, C replaced by T.
Protein change: p.Tyr98=; no amino-acid change (tyrosine 98 retained).
Molecular consequence: synonymous variant.
Genome position (GRCh38, 1-based): chr3:10,142,141, C>T. VCF-style: chr3-10142141-C-T. GRCh37 (hg19) VCF-style: chr3-10183825-C-T.
Other names: c.294C>T, p.Tyr98= (NM_001354723.2, NM_198156.3).
Identifiers: ClinVar variation 758825 (VCV000758825.13), dbSNP rs1559426115, ClinGen allele CA432420517.
Genomic context (GRCh38, chr3:10,142,141, plus strand): 5'-TCGCAGTCCGCGCGTCGTGCTGCCCGTATGGCTCAACTTCGACGGCGAGCCGCAGCCCTA[C>T]CCAACGCTGCCGCCTGGCACGGGCCGCCGCATCCACAGCTACCGAGGTACGGGCCCGGCG-3'
Protein context (NP_000542.1, residues 88-108): WLNFDGEPQP[Tyr98=]PTLPPGTGRR